The following is an entry in ClinVar:

NM_003482.4(KMT2D):c.3521A>G (p.Gln1174Arg)

Genes: KMT2D (lysine methyltransferase 2D; minus strand), LOC126861520 (CDK7 strongly-dependent group 2 enhancer GRCh37_chr12:49442744-49443943; plus strand). Cytogenetic location: 12q13.12.
Variant type: single nucleotide variant.
Coding change: c.3521A>G on transcript NM_003482.4 (MANE Select); coding-DNA position 3521, A replaced by G.
Protein change: p.Gln1174Arg; replaces glutamine 1174 with arginine.
Molecular consequence: missense variant.
Genome position (GRCh38, 1-based): chr12:49,050,067, T>C on the plus strand (A>G on the coding strand, the complement: KMT2D is on the minus strand). VCF-style: chr12-49050067-T-C. GRCh37 (hg19) VCF-style: chr12-49443850-T-C.
Other names: short protein forms Q1174R.
Identifiers: ClinVar variation 1967867 (VCV001967867.5), dbSNP rs1937848126, ClinGen allele CA384656496.
Genomic context (GRCh38, chr12:49,050,067, plus strand): 5'-GGGGCCACCGGTGCACGTGGCTCTTCCTGTTCTTCACATGGTGAGCCCTGCCCTGCTGTC[T>C]GCTTGCATTCGGGGTAGACCTCCATAGGGGTCACAGGGGCCAGCTCCTCGGGGTCCAGGA-3'
Protein context (NP_003473.3, residues 1164-1184): TPMEVYPECK[Gln1174Arg]TAGQGSPCEE

ClinVar aggregate classification (germline): Uncertain significance (1 of 4 stars; one submission).

Conditions:
Kabuki syndrome. Also called: NIIKAWA-KUROKI SYNDROME; Kabuki make-up syndrome. Identifiers: Orphanet 2322, MedGen C0796004, MONDO:0016512.

Allele frequency attached by ClinVar (database versions not stated): gnomAD exomes below 0.00001; gnomAD 0.00001; TOPMed 0.00001.

Submission:

Labcorp Genetics (formerly Invitae), Labcorp
Classification: Uncertain significance for Kabuki syndrome. Last evaluated: 2022-08-04. Review status: criteria provided, single submitter. Criteria: Invitae Variant Classification Sherloc (09022015). Collection method: clinical testing. Allele origin: germline.
Comment: This sequence change replaces glutamine, which is neutral and polar, with arginine, which is basic and polar, at codon 1174 of the KMT2D protein (p.Gln1174Arg). This variant is not present in population databases (gnomAD no frequency). This variant has not been reported in the literature in individuals affected with KMT2D-related conditions. Advanced modeling of protein sequence and biophysical properties (such as structural, functional, and spatial information, amino acid conservation, physicochemical variation, residue mobility, and thermodynamic stability) performed at Invitae indicates that this missense variant is not expected to disrupt KMT2D protein function. In summary, the available evidence is currently insufficient to determine the role of this variant in disease. Therefore, it has been classified as a Variant of Uncertain Significance.